The following is an entry in ClinVar:

NM_001394062.1(MACF1):c.655A>G (p.Ser219Gly)

Gene: MACF1 (microtubule actin crosslinking factor 1; plus strand). Cytogenetic location: 1p34.3.
Variant type: single nucleotide variant.
Coding change: c.655A>G on transcript NM_001394062.1 (MANE Select); coding-DNA position 655, A replaced by G.
Protein change: p.Ser219Gly; replaces serine 219 with glycine.
Molecular consequence: missense variant.
Genome position (GRCh38, 1-based): chr1:39,282,334, A>G. VCF-style: chr1-39282334-A-G. GRCh37 (hg19) VCF-style: chr1-39748006-A-G.
Other names: p.Ser219Gly; c.670A>G, p.Ser224Gly (NM_012090.5); short protein forms S219G, S224G.
Identifiers: ClinVar variation 4820318 (VCV004820318.1).
Genomic context (GRCh38, chr1:39,282,334, plus strand): 5'-ACCCAGAAGGTGACAGCTGGTTACACAGGAATCAAATGCACCAACTTTTCCTCCTGCTGG[A>G]GTGATGGGAAGATGTTCAATGCACTCATTCACCGATACCGGTAAGAACAGTGGAATTTCT-3'
Protein context (NP_001380991.1, residues 209-229): IKCTNFSSCW[Ser219Gly]DGKMFNALIH

ClinVar aggregate classification (germline): Uncertain significance (1 of 4 stars; one submission).

Conditions:
Lissencephaly 9 with complex brainstem malformation. Identifiers: Orphanet 572013, MedGen C5193029, MONDO:0032677, OMIM 618325.

Submission:

Foundation for Research in Genetics and Endocrinology, FRIGE's Institute of Human Genetics
Classification: Uncertain significance for Lissencephaly 9 with complex brainstem malformation. Last evaluated: 2025-09-15. Review status: criteria provided, single submitter. Criteria: ACMG Guidelines, 2015. Collection method: clinical testing. Allele origin: germline. Inheritance: Autosomal dominant inheritance. Affected: yes. Observed: 1 variant allele, 1 heterozygote.
Comment: A heterozygous missense variant in exon 7 of the MACF1 gene that results in the amino acid substitution of Glycine for Serine at codon 219 was detected. The observed variant c.655A>G has not been reported in the 1000 genomes and gnomAD databases. The in silico prediction of the variant is deleterious by MutationTaster2 and DANN. In summary, the variant meets our criteria to be classified as a variant of uncertain significance.